The following is an entry in ClinVar:

ClinVar aggregate classification (germline): Uncertain significance. Review status: criteria provided, multiple submitters, no conflicts (2 of 4 stars). 2 submissions from 2 submitters: Uncertain significance (2). Last evaluated 2024-12-03.

Conditions:
Hereditary cancer-predisposing syndrome. Also called: Hereditary neoplastic syndrome; Hereditary Cancer Syndrome; Neoplastic Syndromes, Hereditary; Tumor predisposition. Identifiers: Orphanet 140162, MedGen C0027672, MeSH D009386, MONDO:0015356.
Familial meningioma. Also called: Meningioma, familial, susceptibility to. Identifiers: Orphanet 263662, MedGen C3551915, MONDO:0011789, OMIM 607174.

Allele frequency attached by ClinVar (database versions not stated): gnomAD exomes 0.00001; ExAC 0.00002.

Submissions (2):

Ambry Genetics
Classification: Uncertain significance for Hereditary cancer-predisposing syndrome. Last evaluated: 2024-12-03. Review status: criteria provided, single submitter. Criteria: Ambry Variant Classification Scheme 2023. Collection method: clinical testing. Allele origin: germline.
Comment: The p.S389P variant (also known as c.1165T>C), located in coding exon 10 of the SMARCE1 gene, results from a T to C substitution at nucleotide position 1165. The serine at codon 389 is replaced by proline, an amino acid with similar properties. This amino acid position is conserved. In addition, the in silico prediction for this alteration is inconclusive. Based on the available evidence, the clinical significance of this variant remains unclear.

Labcorp Genetics (formerly Invitae), Labcorp
Classification: Uncertain significance for Familial meningioma. Last evaluated: 2023-04-25. Review status: criteria provided, single submitter. Criteria: Invitae Variant Classification Sherloc (09022015). Collection method: clinical testing. Allele origin: germline.
Comment: In summary, the available evidence is currently insufficient to determine the role of this variant in disease. Therefore, it has been classified as a Variant of Uncertain Significance. An algorithm developed to predict the effect of missense changes on protein structure and function (PolyPhen-2) suggests that this variant is likely to be disruptive. ClinVar contains an entry for this variant (Variation ID: 1403668). This variant has not been reported in the literature in individuals affected with SMARCE1-related conditions. This variant is present in population databases (rs758595837, gnomAD 0.006%). This sequence change replaces serine, which is neutral and polar, with proline, which is neutral and non-polar, at codon 389 of the SMARCE1 protein (p.Ser389Pro).

NM_003079.5(SMARCE1):c.1165T>C (p.Ser389Pro)

Gene: SMARCE1 (SWI/SNF related BAF chromatin remodeling complex subunit E1; minus strand). Cytogenetic location: 17q21.2.
Variant type: single nucleotide variant.
Coding change: c.1165T>C on transcript NM_003079.5 (MANE Select); coding-DNA position 1165, T replaced by C.
Protein change: p.Ser389Pro; replaces serine 389 with proline.
Molecular consequence: missense variant.
Genome position (GRCh38, 1-based): chr17:40,628,856, A>G on the plus strand (T>C on the coding strand, the complement: SMARCE1 is on the minus strand). VCF-style: chr17-40628856-A-G. GRCh37 (hg19) VCF-style: chr17-38785108-A-G.
Other names: c.1165T>C (NM_003079.4); short protein forms S389P.
Identifiers: ClinVar variation 1403668 (VCV001403668.9), dbSNP rs758595837, ClinGen allele CA8545053.